The following is an entry in ClinVar:

ClinVar aggregate classification (germline): Uncertain significance. Review status: criteria provided, multiple submitters, no conflicts (2 of 4 stars). 2 submissions from 2 submitters: Uncertain significance (2). Last evaluated 2024-08-20.

Allele frequency attached by ClinVar (database versions not stated): gnomAD 0.00002; gnomAD exomes 0.00003; 1000 Genomes Project 0.00020; 1000 Genomes Project 30x 0.00047.

Submissions (2):

Ambry Genetics
Classification: Uncertain significance. Last evaluated: 2024-08-20. Review status: criteria provided, single submitter. Criteria: Ambry Variant Classification Scheme 2023. Collection method: clinical testing. Allele origin: germline.

Labcorp Genetics (formerly Invitae), Labcorp
Classification: Uncertain significance. Last evaluated: 2022-08-20. Review status: criteria provided, single submitter. Criteria: Invitae Variant Classification Sherloc (09022015). Collection method: clinical testing. Allele origin: germline.
Comment: In summary, the available evidence is currently insufficient to determine the role of this variant in disease. Therefore, it has been classified as a Variant of Uncertain Significance. Algorithms developed to predict the effect of missense changes on protein structure and function output the following: SIFT: "Tolerated"; PolyPhen-2: "Probably Damaging"; Align-GVGD: "Class C0". The leucine amino acid residue is found in multiple mammalian species, which suggests that this missense change does not adversely affect protein function. This variant has not been reported in the literature in individuals affected with NLGN2-related conditions. The frequency data for this variant in the population databases is considered unreliable, as metrics indicate insufficient coverage at this position in the gnomAD database. This sequence change replaces proline, which is neutral and non-polar, with leucine, which is neutral and non-polar, at codon 814 of the NLGN2 protein (p.Pro814Leu).

NM_020795.4(NLGN2):c.2441C>T (p.Pro814Leu)

Gene: NLGN2 (neuroligin 2; plus strand). Cytogenetic location: 17p13.1.
Variant type: single nucleotide variant.
Coding change: c.2441C>T on transcript NM_020795.4 (MANE Select); coding-DNA position 2441, C replaced by T.
Protein change: p.Pro814Leu; replaces proline 814 with leucine.
Molecular consequence: missense variant.
Genome position (GRCh38, 1-based): chr17:7,417,732, C>T. VCF-style: chr17-7417732-C-T. GRCh37 (hg19) VCF-style: chr17-7321051-C-T.
Other names: c.2441C>T (NM_020795.2); short protein forms P814L.
Identifiers: ClinVar variation 1991171 (VCV001991171.5), dbSNP rs553108089, ClinGen allele CA287457506.
Genomic context (GRCh38, chr17:7,417,732, plus strand): 5'-GCCTGGGGCCACCGCCACCCCCACCGCCCCCCTCCCTTCATCCCTTCGGGCCCTTCCCCC[C>T]GCCCCCTCCCACCGCCACCAGCCACAACAACACGCTACCCCACCCCCACTCCACCACTCG-3'
Protein context (NP_065846.1, residues 804-824): PSLHPFGPFP[Pro814Leu]PPPTATSHNN